The following is an entry in ClinVar:

ClinVar aggregate classification (germline): Likely benign. Review status: criteria provided, multiple submitters, no conflicts (2 of 4 stars). 4 submissions from 4 submitters: Likely benign (4). Last evaluated 2026-09-01.

Conditions:
Nephronophthisis 14 (NPHP14). Identifiers: Orphanet 2318, MedGen C3539071, MONDO:0013916, OMIM 614844.

Allele frequency attached by ClinVar (database versions not stated): ESP Exome Variant Server 0.00015; gnomAD 0.00029 and 0.00030; 1000 Genomes Project 30x 0.00031; ExAC 0.00032; gnomAD exomes 0.00032 and 0.00033; TOPMed 0.00037; 1000 Genomes Project 0.00040.
gnomAD v4.1: 521 of 1,614,058 alleles (0.032%); highest among the groups gnomAD compares: Admixed American, 0.095%; no homozygotes.

Submissions (4):

CeGaT Center for Human Genetics Tuebingen
Classification: Likely benign. Last evaluated: 2026-09-01. Review status: criteria provided, single submitter. Criteria: CeGaT Center For Human Genetics Tuebingen Variant Classification Criteria Version 2. Collection method: clinical testing. Allele origin: germline. Affected: yes. Observed: 2 variant alleles.
Comment: ZNF423: BP4, BP7

Labcorp Genetics (formerly Invitae), Labcorp
Classification: Likely benign for Nephronophthisis 14. Last evaluated: 2025-12-11. Review status: criteria provided, single submitter. Criteria: Invitae Variant Classification Sherloc (09022015). Collection method: clinical testing. Allele origin: germline.

Blueprint Genetics
Classification: Likely benign. Last evaluated: 2024-08-07. Review status: criteria provided, single submitter. Criteria: ACMG Guidelines, 2015. Collection method: clinical testing. Allele origin: germline.

Breakthrough Genomics
Classification: Likely benign. Review status: criteria provided, single submitter. Criteria: ACMG Guidelines, 2015. Collection method: not provided. Allele origin: germline. Inheritance: Autosomal dominant inheritance. Affected: yes.

NM_001379286.1(ZNF423):c.2541C>T (p.Asn847=)

Gene: ZNF423 (zinc finger protein 423; minus strand). Cytogenetic location: 16q12.1.
Variant type: single nucleotide variant.
Coding change: c.2541C>T on transcript NM_001379286.1 (MANE Select); coding-DNA position 2541, C replaced by T.
Protein change: p.Asn847=; no amino-acid change (asparagine 847 retained).
Molecular consequence: synonymous variant.
Genome position (GRCh38, 1-based): chr16:49,636,635, G>A on the plus strand (C>T on the coding strand, the complement: ZNF423 is on the minus strand). VCF-style: chr16-49636635-G-A. GRCh37 (hg19) VCF-style: chr16-49670546-G-A.
Other names: c.2337C>T, p.Asn779= (NM_001271620.2); c.2166C>T, p.Asn722= (NM_001330533.2); c.2517C>T, p.Asn839= (NM_015069.5).
Identifiers: ClinVar variation 766900 (VCV000766900.35), dbSNP rs146659313, ClinGen allele CA8046487.